The following is an entry in ClinVar:

ClinVar aggregate classification (germline): Uncertain significance (1 of 4 stars; one submission).

Conditions:
Primary ciliary dyskinesia. Also called: Ciliary dyskinesia. Identifiers: Orphanet 244, MedGen C0008780, MONDO:0016575, HP:0012265.

Submission:

Labcorp Genetics (formerly Invitae), Labcorp
Classification: Uncertain significance for Primary ciliary dyskinesia. Last evaluated: 2022-07-12. Review status: criteria provided, single submitter. Criteria: Invitae Variant Classification Sherloc (09022015). Collection method: clinical testing. Allele origin: germline.
Comment: In summary, the available evidence is currently insufficient to determine the role of this variant in disease. Therefore, it has been classified as a Variant of Uncertain Significance. Algorithms developed to predict the effect of sequence changes on RNA splicing suggest that this variant may create or strengthen a splice site. Algorithms developed to predict the effect of missense changes on protein structure and function (SIFT, PolyPhen-2, Align-GVGD) all suggest that this variant is likely to be disruptive. ClinVar contains an entry for this variant (Variation ID: 525449). This missense change has been observed in individual(s) with primary ciliary dyskinesia (Invitae). This variant is not present in population databases (gnomAD no frequency). This sequence change replaces aspartic acid, which is acidic and polar, with tyrosine, which is neutral and polar, at codon 312 of the DNAAF3 protein (p.Asp312Tyr).

NM_001256715.2(DNAAF3):c.730G>T (p.Asp244Tyr)

Genes: DNAAF3 (dynein axonemal assembly factor 3; minus strand), DNAAF3-AS1 (DNAAF3 antisense RNA 1; plus strand). Cytogenetic location: 19q13.42.
Variant type: single nucleotide variant.
Coding change: c.730G>T on transcript NM_001256715.2 (MANE Select); coding-DNA position 730, G replaced by T.
Protein change: p.Asp244Tyr; replaces aspartic acid 244 with tyrosine.
Molecular consequence: missense variant.
Genome position (GRCh38, 1-based): chr19:55,161,352, C>A on the plus strand (G>T on the coding strand, the complement: DNAAF3 is on the minus strand). VCF-style: chr19-55161352-C-A. GRCh37 (hg19) VCF-style: chr19-55672720-C-A.
Other names: c.934G>T, p.Asp312Tyr (NM_001256714.1); c.568G>T, p.Asp190Tyr (NM_001256716.2); c.871G>T, p.Asp291Tyr (NM_178837.4); short protein forms D291Y, D312Y, D244Y, D190Y.
Identifiers: ClinVar variation 525449 (VCV000525449.9), dbSNP rs1461569802, ClinGen allele CA407453623.